The following is an entry in ClinVar:

NM_001355436.2(SPTB):c.5856del (p.Ile1952fs)

Gene: SPTB (spectrin beta, erythrocytic; minus strand). Cytogenetic location: 14q23.3.
Variant type: Deletion.
Coding change: c.5856del on transcript NM_001355436.2 (MANE Select); coding-DNA position 5856, one base deleted (T; older notation c.5856delT).
Protein change: p.Ile1952fs; shifts the reading frame from isoleucine 1952.
Molecular consequence: frameshift variant.
Genome position (GRCh38, 1-based): chr14:64,769,671, A deleted on the plus strand (T on the coding strand, the reverse complement: SPTB is on the minus strand); the first of 2 consecutive A bases (chr14:64,769,671-64,769,672); deleting either gives the same sequence. VCF-style (leftmost placement, unchanged base first): chr14-64769670-CA-C. GRCh37 (hg19) VCF-style: chr14-65236388-CA-C.
Other names: c.5856del, p.Ile1952fs (NM_001024858.4, NM_001355437.2); short protein forms I1952fs.
Identifiers: ClinVar variation 2433896 (VCV002433896.6), dbSNP rs1158755002, ClinGen allele CA707746329.

ClinVar aggregate classification (germline): Pathogenic/Likely pathogenic. Review status: criteria provided, multiple submitters, no conflicts (2 of 4 stars). 2 submissions from 2 submitters: Pathogenic (1); Likely pathogenic (1). Last evaluated 2023-04-27.

Submissions (2):

Labcorp Genetics (formerly Invitae), Labcorp
Classification: Pathogenic. Last evaluated: 2023-04-27. Review status: criteria provided, single submitter. Criteria: Invitae Variant Classification Sherloc (09022015). Collection method: clinical testing. Allele origin: germline.
Comment: For these reasons, this variant has been classified as Pathogenic. ClinVar contains an entry for this variant (Variation ID: 2433896). This variant has not been reported in the literature in individuals affected with SPTB-related conditions. This variant is not present in population databases (gnomAD no frequency). This sequence change creates a premature translational stop signal (p.Ile1952Metfs*36) in the SPTB gene. It is expected to result in an absent or disrupted protein product. Loss-of-function variants in SPTB are known to be pathogenic (PMID: 1391962, 1498324, 8844207, 26830532, 27292444).

Revvity Omics, Revvity
Classification: Likely pathogenic. Last evaluated: 2022-09-06. Review status: criteria provided, single submitter. Criteria: ACMG Guidelines, 2015. Collection method: clinical testing. Allele origin: germline.

Literature cited by the submitters: PubMed 1391962 (cited by Labcorp Genetics (formerly Invitae), Labcorp); PubMed 1498324 (cited by Labcorp Genetics (formerly Invitae), Labcorp); PubMed 8844207 (cited by Labcorp Genetics (formerly Invitae), Labcorp); PubMed 26830532 (cited by Labcorp Genetics (formerly Invitae), Labcorp); PubMed 27292444 (cited by Labcorp Genetics (formerly Invitae), Labcorp).